The following is an entry in ClinVar:

NM_016507.4(CDK12):c.3730A>T (p.Thr1244Ser)

Gene: CDK12 (cyclin dependent kinase 12; plus strand). Cytogenetic location: 17q12.
Variant type: single nucleotide variant.
Coding change: c.3730A>T on transcript NM_016507.4 (MANE Select); coding-DNA position 3730, A replaced by T.
Protein change: p.Thr1244Ser; replaces threonine 1244 with serine.
Molecular consequence: missense variant.
Genome position (GRCh38, 1-based): chr17:39,526,286, A>T. VCF-style: chr17-39526286-A-T. GRCh37 (hg19) VCF-style: chr17-37682539-A-T.
Other names: c.3730A>T, p.Thr1244Ser (NM_015083.4); short protein forms T1244S.
Identifiers: ClinVar variation 3830447 (VCV003830447.1).
Genomic context (GRCh38, chr17:39,526,286, plus strand): 5'-GCAGGCAGTCTGGAGGAAAACAACAGTGACAAGAACAGTGGGCCACAGGGGCCCCGAAGA[A>T]CTCCCACAATGCCACAGGAGGAGGCAGCAGGTAAACAGACCGGTCATGAATCTCATTGAG-3'
Protein context (NP_057591.2, residues 1234-1254): KNSGPQGPRR[Thr1244Ser]PTMPQEEAAA

ClinVar aggregate classification (germline): Uncertain significance (1 of 4 stars; one submission).

gnomAD v4.1: 1 of 1,600,170 alleles (0.000062%); highest among the groups gnomAD compares: African/African-American, 0.0013%; no homozygotes.

Submission:

Ambry Genetics
Classification: Uncertain significance. Last evaluated: 2025-01-04. Review status: criteria provided, single submitter. Criteria: Ambry Variant Classification Scheme 2023. Collection method: clinical testing. Allele origin: germline.
Comment: The p.T1244S variant (also known as c.3730A>T), located in coding exon 13 of the CDK12 gene, results from an A to T substitution at nucleotide position 3730. The threonine at codon 1244 is replaced by serine, an amino acid with similar properties. This amino acid position is conserved. In addition, this alteration is predicted to be tolerated by in silico analysis. Based on the available evidence, the clinical significance of this variant remains unclear.